The following is an entry in ClinVar:

NM_138615.3(DHX30):c.1995C>A (p.Arg665=)

Gene: DHX30 (DExH-box helicase 30; plus strand). Cytogenetic location: 3p21.31.
Variant type: single nucleotide variant.
Coding change: c.1995C>A on transcript NM_138615.3 (MANE Select); coding-DNA position 1995, C replaced by A.
Protein change: p.Arg665=; no amino-acid change (arginine 665 retained).
Molecular consequence: synonymous variant.
Genome position (GRCh38, 1-based): chr3:47,847,338, C>A. VCF-style: chr3-47847338-C-A. GRCh37 (hg19) VCF-style: chr3-47888828-C-A.
Other names: c.1911C>A, p.Arg637= (NM_001330990.2); c.1878C>A, p.Arg626= (NM_014966.4).
Identifiers: ClinVar variation 2653776 (VCV002653776.24), dbSNP rs145758649, ClinGen allele CA2370018.

ClinVar aggregate classification (germline): Likely benign (1 of 4 stars; one submission).

Allele frequency attached by ClinVar (database versions not stated): ExAC 0.00008; TOPMed 0.00015; ESP Exome Variant Server 0.00023.
gnomAD v4.1: 174 of 1,614,234 alleles (0.011%); highest among the groups gnomAD compares: Middle Eastern, 0.2%; 1 homozygote.

Submission:

CeGaT Center for Human Genetics Tuebingen
Classification: Likely benign. Last evaluated: 2023-01-01. Review status: criteria provided, single submitter. Criteria: CeGaT Center For Human Genetics Tuebingen Variant Classification Criteria Version 2. Collection method: clinical testing. Allele origin: germline. Affected: yes. Observed: 1 variant allele.
Comment: DHX30: BP4, BP7